The following is an entry in ClinVar:

NM_000070.3(CAPN3):c.122G>T (p.Gly41Val)

Gene: CAPN3 (calpain 3; plus strand). Cytogenetic location: 15q15.1.
Variant type: single nucleotide variant.
Coding change: c.122G>T on transcript NM_000070.3 (MANE Select); coding-DNA position 122, G replaced by T.
Protein change: p.Gly41Val; replaces glycine 41 with valine.
Molecular consequence: missense variant.
Genome position (GRCh38, 1-based): chr15:42,359,927, G>T. VCF-style: chr15-42359927-G-T. GRCh37 (hg19) VCF-style: chr15-42652125-G-T.
Other names: c.122G>T, p.Gly41Val (NM_024344.2, NM_173087.2); short protein forms G41V.
Identifiers: ClinVar variation 3484830 (VCV003484830.3).

ClinVar aggregate classification (germline): Uncertain significance. Review status: criteria provided, multiple submitters, no conflicts (2 of 4 stars). 2 submissions from 2 submitters: Uncertain significance (2). Last evaluated 2024-08-12.

Conditions:
Autosomal recessive limb-girdle muscular dystrophy type 2A (LGMDR1). Also called: LEYDEN-MOEBIUS MUSCULAR DYSTROPHY; MUSCULAR DYSTROPHY, PELVOFEMORAL; Limb-girdle muscular dystrophy, type 2A; Calpainopathy; Muscular dystrophy, limb-girdle, type 2A, Amish. Identifiers: Orphanet 267, MedGen C1869123, MONDO:0009675, OMIM 253600. Disease mechanism: loss of function.
Inborn genetic diseases. Identifiers: MedGen C0950123, MeSH D030342.

Submissions (2):

Ambry Genetics
Classification: Uncertain significance for Inborn genetic diseases. Last evaluated: 2024-08-12. Review status: criteria provided, single submitter. Criteria: Ambry Variant Classification Scheme 2023. Collection method: clinical testing. Allele origin: germline.

Labcorp Genetics (formerly Invitae), Labcorp
Classification: Uncertain significance for Autosomal recessive limb-girdle muscular dystrophy type 2A. Last evaluated: 2024-02-09. Review status: criteria provided, single submitter. Criteria: Invitae Variant Classification Sherloc (09022015). Collection method: clinical testing. Allele origin: germline.
Comment: This sequence change replaces glycine, which is neutral and non-polar, with valine, which is neutral and non-polar, at codon 41 of the CAPN3 protein (p.Gly41Val). This variant is not present in population databases (gnomAD no frequency). This variant has not been reported in the literature in individuals affected with CAPN3-related conditions. Advanced modeling of protein sequence and biophysical properties (such as structural, functional, and spatial information, amino acid conservation, physicochemical variation, residue mobility, and thermodynamic stability) performed at Invitae indicates that this missense variant is expected to disrupt CAPN3 protein function with a positive predictive value of 80%. In summary, the available evidence is currently insufficient to determine the role of this variant in disease. Therefore, it has been classified as a Variant of Uncertain Significance.